The following is an entry in ClinVar:

ClinVar aggregate classification (germline): Uncertain significance (1 of 4 stars; one submission).

Conditions:
Congenital contractural arachnodactyly (CCA). Also called: Beals-Hecht syndrome; BEALS SYNDROME; Arthrogryposis, distal, type 9. Identifiers: Orphanet 115, MedGen C0220668, MONDO:0007363, OMIM 121050.

Submission:

Labcorp Genetics (formerly Invitae), Labcorp
Classification: Uncertain significance for Congenital contractural arachnodactyly. Last evaluated: 2017-04-03. Review status: criteria provided, single submitter. Criteria: Invitae Variant Classification Sherloc (09022015). Collection method: clinical testing. Allele origin: germline.
Comment: In summary, this variant is a novel missense change with uncertain impact on protein function. It has been classified as a Variant of Uncertain Significance. Algorithms developed to predict the effect of missense changes on protein structure and function do not agree on the potential impact of this missense change (SIFT: "Deleterious"; PolyPhen-2: "Probably Damaging"; Align-GVGD: "Class C0"). This variant is not present in population databases (ExAC no frequency) and has not been reported in the literature in individuals with a FBN2-related disease. This sequence change replaces proline with serine at codon 743 of the FBN2 protein (p.Pro743Ser). The proline residue is highly conserved and there is a moderate physicochemical difference between proline and serine.

NM_001999.4(FBN2):c.2227C>T (p.Pro743Ser)

Gene: FBN2 (fibrillin 2; minus strand). Cytogenetic location: 5q23.3.
Variant type: single nucleotide variant.
Coding change: c.2227C>T on transcript NM_001999.4 (MANE Select); coding-DNA position 2227, C replaced by T.
Protein change: p.Pro743Ser; replaces proline 743 with serine.
Molecular consequence: missense variant.
Genome position (GRCh38, 1-based): chr5:128,369,203, G>A on the plus strand (C>T on the coding strand, the complement: FBN2 is on the minus strand). VCF-style: chr5-128369203-G-A. GRCh37 (hg19) VCF-style: chr5-127704896-G-A.
Other names: short protein forms P743S.
Identifiers: ClinVar variation 458740 (VCV000458740.9), dbSNP rs1554064242, ClinGen allele CA360738825.